The following is an entry in ClinVar:

NM_004064.5(CDKN1B):c.277C>T (p.Arg93Trp)

Gene: CDKN1B (cyclin dependent kinase inhibitor 1B; plus strand). Cytogenetic location: 12p13.1.
Variant type: single nucleotide variant.
Coding change: c.277C>T on transcript NM_004064.5 (MANE Select); coding-DNA position 277, C replaced by T.
Protein change: p.Arg93Trp; replaces arginine 93 with tryptophan.
Molecular consequence: missense variant.
Genome position (GRCh38, 1-based): chr12:12,718,116, C>T. VCF-style: chr12-12718116-C-T. GRCh37 (hg19) VCF-style: chr12-12871050-C-T.
Other names: short protein forms R93W.
Identifiers: ClinVar variation 307662 (VCV000307662.24), dbSNP rs140167393, ClinGen allele CA6457440.

ClinVar aggregate classification (germline): Benign/Likely benign. Review status: criteria provided, multiple submitters, no conflicts (2 of 4 stars). 6 submissions from 6 submitters: Benign (3); Likely benign (3). Last evaluated 2026-01-31.

Conditions:
Multiple endocrine neoplasia type 4. Also called: MULTIPLE ENDOCRINE NEOPLASIA, TYPE IV. Identifiers: Orphanet 276152, MedGen C1970712, MONDO:0012552, OMIM 610755.
Hereditary cancer-predisposing syndrome. Also called: Neoplastic Syndromes, Hereditary; Tumor predisposition; Hereditary Cancer Syndrome; Hereditary neoplastic syndrome. Identifiers: Orphanet 140162, MedGen C0027672, MeSH D009386, MONDO:0015356.

Allele frequency attached by ClinVar (database versions not stated): gnomAD below 0.00001 and 0.00012; TOPMed below 0.00001; 1000 Genomes Project 30x 0.00016; 1000 Genomes Project 0.00020; ExAC 0.00042; gnomAD exomes 0.00042.

Submissions (6):

Labcorp Genetics (formerly Invitae), Labcorp
Classification: Likely benign for Multiple endocrine neoplasia type 4. Last evaluated: 2026-01-31. Review status: criteria provided, single submitter. Criteria: Invitae Variant Classification Sherloc (09022015). Collection method: clinical testing. Allele origin: germline.

KCCC/NGS Laboratory, Kuwait Cancer Control Center
Classification: Benign for Multiple endocrine neoplasia type 4. Last evaluated: 2025-02-01. Review status: criteria provided, single submitter. Criteria: ACMG Guidelines, 2015. Collection method: clinical testing. Allele origin: germline. Affected: no.

Ambry Genetics
Classification: Benign for Hereditary cancer-predisposing syndrome. Last evaluated: 2023-03-22. Review status: criteria provided, single submitter. Criteria: Ambry Variant Classification Scheme 2023. Collection method: clinical testing. Allele origin: germline.

Sema4
Classification: Likely benign for Hereditary cancer-predisposing syndrome. Last evaluated: 2022-01-06. Review status: criteria provided, single submitter. Criteria: Sema4 Curation Guidelines. Collection method: curation. Allele origin: germline.

Genetic Services Laboratory, University of Chicago
Classification: Likely benign. Last evaluated: 2021-02-23. Review status: criteria provided, single submitter. Criteria: ACMG Guidelines, 2015. Collection method: clinical testing. Allele origin: germline. Affected: no.

Illumina Laboratory Services, Illumina
Classification: Benign for Multiple endocrine neoplasia type 4. Last evaluated: 2018-01-12. Review status: criteria provided, single submitter. Criteria: ICSL Variant Classification Criteria 13 December 2019. Collection method: clinical testing. Allele origin: germline.
Comment: This variant was observed in the ICSL laboratory as part of a predisposition screen in an ostensibly healthy population. It had not been previously curated by ICSL or reported in the Human Gene Mutation Database (HGMD: prior to June 1st, 2018), and was therefore a candidate for classification through an automated scoring system. Utilizing variant allele frequency, disease prevalence and penetrance estimates, and inheritance mode, an automated score was calculated to assess if this variant is too frequent to cause the disease. Based on the score and internal cut-off values, a variant classified as benign is not then subjected to further curation. The score for this variant resulted in a classification of benign for this disease.